The following is an entry in ClinVar:

NM_001127198.5(TMC6):c.1383+120C>T

Gene: TMC6 (transmembrane channel like 6; minus strand). Cytogenetic location: 17q25.3.
Variant type: single nucleotide variant.
Coding change: c.1383+120C>T on transcript NM_001127198.5 (MANE Select); 120 bases into the intron after coding-DNA position 1383, C replaced by T.
Molecular consequence: intron variant.
Genome position (GRCh38, 1-based): chr17:78,121,436, G>A on the plus strand (C>T on the coding strand, the complement: TMC6 is on the minus strand). VCF-style: chr17-78121436-G-A. GRCh37 (hg19) VCF-style: chr17-76117517-G-A.
Other names: c.1383+120C>T (NM_001374594.1, NM_001374596.1, NM_001374593.1 and 4 more transcripts).
Identifiers: ClinVar variation 1277977 (VCV001277977.4), dbSNP rs4789014, ClinGen allele CA14412265.

ClinVar aggregate classification (germline): Benign. Review status: criteria provided, multiple submitters, no conflicts (2 of 4 stars). 3 submissions from 3 submitters: Benign (3). Last evaluated 2024-01-24.

Allele frequency attached by ClinVar (database versions not stated): gnomAD exomes 0.07729; gnomAD 0.09289 and 0.09494; 1000 Genomes Project 0.09665; 1000 Genomes Project 30x 0.09978; TOPMed 0.10242.
gnomAD v4.1: 120,359 of 1,522,468 alleles (7.9%); highest among the groups gnomAD compares: Admixed American, 14%; 5,179 homozygotes.

Submissions (3):

Unidad de Genómica Garrahan, Hospital de Pediatría Garrahan
Classification: Benign. Last evaluated: 2024-01-24. Review status: criteria provided, single submitter. Criteria: ACMG Guidelines, 2015. Collection method: clinical testing. Allele origin: germline. Affected: no. Observed: 25 variant alleles.
Comment: This variant is classified as Benign based on local population frequency. This variant was detected in 26% of patients studied by a panel of primary immunodeficiencies. Number of patients: 25. Only high quality variants are reported.

GeneDx
Classification: Benign. Last evaluated: 2018-07-09. Review status: criteria provided, single submitter. Criteria: GeneDx Variant Classification Process June 2021. Collection method: clinical testing. Allele origin: germline. Affected: yes.

Breakthrough Genomics
Classification: Benign. Review status: criteria provided, single submitter. Criteria: ACMG Guidelines, 2015. Collection method: not provided. Allele origin: germline. Inheritance: Autosomal recessive inheritance. Affected: yes.